The following is an entry in ClinVar:

ClinVar aggregate classification (germline): Uncertain significance (1 of 4 stars; one submission).

Conditions:
Cohen syndrome (COH1). Also called: Cutis verticis gyrata, retinitis pigmentosa, and sensorineural deafness; PEPPER SYNDROME. Identifiers: Orphanet 193, MedGen C0265223, MONDO:0008999, OMIM 216550.

gnomAD v4.1: 7 of 1,614,266 alleles (0.00043%); highest among the groups gnomAD compares: Non-Finnish European, 0.00059%; no homozygotes.

Submission:

Labcorp Genetics (formerly Invitae), Labcorp
Classification: Uncertain significance for Cohen syndrome. Last evaluated: 2022-04-13. Review status: criteria provided, single submitter. Criteria: Invitae Variant Classification Sherloc (09022015). Collection method: clinical testing. Allele origin: germline.
Comment: In summary, the available evidence is currently insufficient to determine the role of this variant in disease. Therefore, it has been classified as a Variant of Uncertain Significance. Algorithms developed to predict the effect of missense changes on protein structure and function are either unavailable or do not agree on the potential impact of this missense change (SIFT: "Not Available"; PolyPhen-2: "Benign"; Align-GVGD: "Not Available"). This variant has not been reported in the literature in individuals affected with VPS13B-related conditions. This variant is not present in population databases (gnomAD no frequency). This sequence change replaces isoleucine, which is neutral and non-polar, with asparagine, which is neutral and polar, at codon 3519 of the VPS13B protein (p.Ile3519Asn).

NM_152564.5(VPS13B):c.10481T>A (p.Ile3494Asn)

Gene: VPS13B (vacuolar protein sorting 13 homolog B; plus strand). Cytogenetic location: 8q22.2.
Variant type: single nucleotide variant.
Coding change: c.10481T>A on transcript NM_152564.5 (MANE Select); coding-DNA position 10481, T replaced by A.
Protein change: p.Ile3494Asn; replaces isoleucine 3494 with asparagine.
Molecular consequence: missense variant.
Genome position (GRCh38, 1-based): chr8:99,853,870, T>A. VCF-style: chr8-99853870-T-A. GRCh37 (hg19) VCF-style: chr8-100866098-T-A.
Other names: c.10556T>A, p.Ile3519Asn (NM_017890.5); short protein forms I3494N, I3519N.
Identifiers: ClinVar variation 2126025 (VCV002126025.3), dbSNP rs1419927739, ClinGen allele CA371783281.
Genomic context (GRCh38, chr8:99,853,870, plus strand): 5'-AAAAATGTTTTATCAAACTTTGCATCACCTTAAATGAAGGCAAGAGCATCCTCTGTGATA[T>A]TAATGAGTTCAGCTTTGAATTAAAACCTGCTCGGTTATACGTGGAAGACACATTTGTATA-3'
Protein context (NP_689777.3, residues 3484-3504): LNEGKSILCD[Ile3494Asn]NEFSFELKPA